The following is an entry in ClinVar:

ClinVar aggregate classification (germline): Uncertain significance (1 of 4 stars; one submission).

Allele frequency attached by ClinVar (database versions not stated): gnomAD exomes below 0.00001.
gnomAD v4.1: 2 of 1,614,110 alleles (0.00012%); highest among the groups gnomAD compares: East Asian, 0.0022%; no homozygotes.

Submission:

Labcorp Genetics (formerly Invitae), Labcorp
Classification: Uncertain significance. Last evaluated: 2026-01-05. Review status: criteria provided, single submitter. Criteria: Invitae Variant Classification Sherloc (09022015). Collection method: clinical testing. Allele origin: germline.
Comment: This sequence change replaces isoleucine, which is neutral and non-polar, with methionine, which is neutral and non-polar, at codon 2174 of the FAT4 protein (p.Ile2174Met). This variant is not present in population databases (gnomAD no frequency). This variant has not been reported in the literature in individuals affected with FAT4-related conditions. ClinVar contains an entry for this variant (Variation ID: 2821326). Invitae Evidence Modeling of protein sequence and biophysical properties (such as structural, functional, and spatial information, amino acid conservation, physicochemical variation, residue mobility, and thermodynamic stability) indicates that this missense variant is not expected to disrupt FAT4 protein function with a negative predictive value of 80%. In summary, the available evidence is currently insufficient to determine the role of this variant in disease. Therefore, it has been classified as a Variant of Uncertain Significance.

NM_001291303.3(FAT4):c.6522A>G (p.Ile2174Met)

Gene: FAT4 (FAT atypical cadherin 4; plus strand). Cytogenetic location: 4q28.1.
Variant type: single nucleotide variant.
Coding change: c.6522A>G on transcript NM_001291303.3 (MANE Select); coding-DNA position 6522, A replaced by G.
Protein change: p.Ile2174Met; replaces isoleucine 2174 with methionine.
Molecular consequence: missense variant.
Genome position (GRCh38, 1-based): chr4:125,415,485, A>G. VCF-style: chr4-125415485-A-G. GRCh37 (hg19) VCF-style: chr4-126336640-A-G.
Other names: c.6522A>G, p.Ile2174Met (NM_001291285.3, NM_024582.6); short protein forms I2174M.
Identifiers: ClinVar variation 2821326 (VCV002821326.3), dbSNP rs2530781669, ClinGen allele CA358129885.